The following is an entry in ClinVar:

ClinVar aggregate classification (germline): Uncertain significance (1 of 4 stars; one submission).

Submission:

Labcorp Genetics (formerly Invitae), Labcorp
Classification: Uncertain significance. Last evaluated: 2022-12-02. Review status: criteria provided, single submitter. Criteria: Invitae Variant Classification Sherloc (09022015). Collection method: clinical testing. Allele origin: germline.
Comment: In summary, the available evidence is currently insufficient to determine the role of this variant in disease. Therefore, it has been classified as a Variant of Uncertain Significance. Algorithms developed to predict the effect of missense changes on protein structure and function are either unavailable or do not agree on the potential impact of this missense change (SIFT: "Tolerated"; PolyPhen-2: "Probably Damaging"; Align-GVGD: "Class C0"). This variant has not been reported in the literature in individuals affected with RPS6KC1-related conditions. This variant is not present in population databases (gnomAD no frequency). This sequence change replaces threonine, which is neutral and polar, with isoleucine, which is neutral and non-polar, at codon 293 of the RPS6KC1 protein (p.Thr293Ile).

NM_012424.6(RPS6KC1):c.878C>T (p.Thr293Ile)

Gene: RPS6KC1 (ribosomal protein S6 kinase C1; plus strand). Cytogenetic location: 1q32.3.
Variant type: single nucleotide variant.
Coding change: c.878C>T on transcript NM_012424.6 (MANE Select); coding-DNA position 878, C replaced by T.
Protein change: p.Thr293Ile; replaces threonine 293 with isoleucine.
Molecular consequence: missense variant. On other transcripts: 5 prime UTR variant (17), non-coding transcript variant (4).
Genome position (GRCh38, 1-based): chr1:213,167,900, C>T. VCF-style: chr1-213167900-C-T. GRCh37 (hg19) VCF-style: chr1-213341243-C-T.
Other names: c.842C>T, p.Thr281Ile (NM_001136138.4); c.335C>T, p.Thr112Ile (NM_001349652.2, NM_001349653.2, NM_001349654.2 and 7 more transcripts); c.-14C>T (NM_001349657.2, NM_001349658.2); c.-410C>T (NM_001349659.2); c.-330C>T (NM_001349660.2, NM_001349661.2, NM_001349662.2); c.-244C>T (NM_001349663.2, NM_001349664.2, NM_001349670.2); c.-337C>T (NM_001349665.2, NM_001349666.2, NM_001349667.2 and 5 more transcripts); c.878C>T, p.Thr293Ile (NM_001349646.2); and 1 more; short protein forms T293I, T112I, T172I, T281I.
Identifiers: ClinVar variation 2080311 (VCV002080311.4), dbSNP rs2546858840, ClinGen allele CA344887638.